The following is an entry in ClinVar:

NM_001377540.1(SLMAP):c.1639G>C (p.Glu547Gln)

Gene: SLMAP (sarcolemma associated protein; plus strand). Cytogenetic location: 3p14.3.
Variant type: single nucleotide variant.
Coding change: c.1639G>C on transcript NM_001377540.1 (MANE Select); coding-DNA position 1639, G replaced by C.
Protein change: p.Glu547Gln; replaces glutamic acid 547 with glutamine.
Molecular consequence: missense variant. On other transcripts: non-coding transcript variant (1), intron variant (1).
Genome position (GRCh38, 1-based): chr3:57,909,090, G>C. VCF-style: chr3-57909090-G-C. GRCh37 (hg19) VCF-style: chr3-57894817-G-C.
Other names: c.67G>C, p.Glu23Gln (NM_001377927.1, NM_001377928.1, NM_001311179.2 and 1 more transcripts); c.1537G>C, p.Glu513Gln (NM_007159.5, NM_001377549.1); c.53-3291G>C (NM_001304423.3); c.1588G>C, p.Glu530Gln (NM_001304420.3, NM_001377541.1, NM_001377542.1); c.1474G>C, p.Glu492Gln (NM_001304421.2, NM_001377557.1, NM_001377559.1); c.190G>C, p.Glu64Gln (NM_001304422.3, NM_001311178.2); c.1516G>C, p.Glu506Gln (NM_001377555.1); c.1465G>C, p.Glu489Gln (NM_001377562.1, NM_001377921.1); and 8 more; short protein forms E23Q, E547Q, E64Q, E451Q, E492Q, E509Q, E513Q, E472Q.
Identifiers: ClinVar variation 4169934 (VCV004169934.1).

ClinVar aggregate classification (germline): Uncertain significance (1 of 4 stars; one submission).

Submission:

Ambry Genetics
Classification: Uncertain significance. Last evaluated: 2025-09-07. Review status: criteria provided, single submitter. Criteria: Ambry Variant Classification Scheme 2023. Collection method: clinical testing. Allele origin: germline.
Comment: The p.E513Q variant (also known as c.1537G>C), located in coding exon 16 of the SLMAP gene, results from a G to C substitution at nucleotide position 1537. The glutamic acid at codon 513 is replaced by glutamine, an amino acid with highly similar properties. This amino acid position is conserved. In addition, the in silico prediction for this alteration is inconclusive. Based on the available evidence, the clinical significance of this variant remains unclear.